The following is an entry in ClinVar:

NM_000755.5(CRAT):c.88G>A (p.Ala30Thr)

Gene: CRAT (carnitine O-acetyltransferase; minus strand). Cytogenetic location: 9q34.11.
Variant type: single nucleotide variant.
Coding change: c.88G>A on transcript NM_000755.5 (MANE Select); coding-DNA position 88, G replaced by A.
Protein change: p.Ala30Thr; replaces alanine 30 with threonine.
Molecular consequence: missense variant.
Genome position (GRCh38, 1-based): chr9:129,108,017, C>T on the plus strand (G>A on the coding strand, the complement: CRAT is on the minus strand). VCF-style: chr9-129108017-C-T. GRCh37 (hg19) VCF-style: chr9-131870296-C-T.
Other names: c.25G>A, p.Ala9Thr (NM_001257363.3, NM_001346548.2, NM_004003.4); c.91G>A, p.Ala31Thr (NM_001346546.2); c.88G>A, p.Ala30Thr (NM_001346547.2, NM_001346549.2); short protein forms A9T, A31T, A30T.
Identifiers: ClinVar variation 2998458 (VCV002998458.3), dbSNP rs144265427, ClinGen allele CA5275877.

ClinVar aggregate classification (germline): Uncertain significance (1 of 4 stars; one submission).

Allele frequency attached by ClinVar (database versions not stated): ExAC 0.00005; ESP Exome Variant Server 0.00015.

Submission:

Labcorp Genetics (formerly Invitae), Labcorp
Classification: Uncertain significance. Last evaluated: 2024-10-07. Review status: criteria provided, single submitter. Criteria: Invitae Variant Classification Sherloc (09022015). Collection method: clinical testing. Allele origin: germline.
Comment: This sequence change replaces alanine, which is neutral and non-polar, with threonine, which is neutral and polar, at codon 30 of the CRAT protein (p.Ala30Thr). The frequency data for this variant in the population databases is considered unreliable, as metrics indicate poor data quality at this position in the gnomAD database. This variant has not been reported in the literature in individuals affected with CRAT-related conditions. Invitae Evidence Modeling of protein sequence and biophysical properties (such as structural, functional, and spatial information, amino acid conservation, physicochemical variation, residue mobility, and thermodynamic stability) indicates that this missense variant is not expected to disrupt CRAT protein function with a negative predictive value of 80%. In summary, the available evidence is currently insufficient to determine the role of this variant in disease. Therefore, it has been classified as a Variant of Uncertain Significance.